The following is an entry in ClinVar:

ClinVar aggregate classification (germline): Uncertain significance (1 of 4 stars; one submission).

gnomAD v4.1: 1 of 1,609,320 alleles (0.000062%); highest among the groups gnomAD compares: Non-Finnish European, 0.000085%; no homozygotes.

Submission:

Labcorp Genetics (formerly Invitae), Labcorp
Classification: Uncertain significance. Last evaluated: 2024-06-25. Review status: criteria provided, single submitter. Criteria: Invitae Variant Classification Sherloc (09022015). Collection method: clinical testing. Allele origin: germline.
Comment: This sequence change replaces threonine, which is neutral and polar, with isoleucine, which is neutral and non-polar, at codon 242 of the KIF11 protein (p.Thr242Ile). This variant is not present in population databases (gnomAD no frequency). This variant has not been reported in the literature in individuals affected with KIF11-related conditions. Advanced modeling of protein sequence and biophysical properties (such as structural, functional, and spatial information, amino acid conservation, physicochemical variation, residue mobility, and thermodynamic stability) performed at Invitae indicates that this missense variant is not expected to disrupt KIF11 protein function with a negative predictive value of 80%. In summary, the available evidence is currently insufficient to determine the role of this variant in disease. Therefore, it has been classified as a Variant of Uncertain Significance.

NM_004523.4(KIF11):c.725C>T (p.Thr242Ile)

Gene: KIF11 (kinesin family member 11; plus strand). Cytogenetic location: 10q23.33.
Variant type: single nucleotide variant.
Coding change: c.725C>T on transcript NM_004523.4 (MANE Select); coding-DNA position 725, C replaced by T.
Protein change: p.Thr242Ile; replaces threonine 242 with isoleucine.
Molecular consequence: missense variant.
Genome position (GRCh38, 1-based): chr10:92,613,066, C>T. VCF-style: chr10-92613066-C-T. GRCh37 (hg19) VCF-style: chr10-94372823-C-T.
Other names: short protein forms T242I.
Identifiers: ClinVar variation 3657803 (VCV003657803.2).